The following is an entry in ClinVar:

ClinVar aggregate classification (germline): Uncertain significance (1 of 4 stars; one submission).

Conditions:
Very long chain acyl-CoA dehydrogenase deficiency (ACADVLD). Also called: VLCAD Deficiency; Very Long-Chain Acyl-Coenzyme A Dehydrogenase Deficiency. Identifiers: Orphanet 26793, MedGen C3887523, MONDO:0008723, OMIM 201475.

Submission:

Labcorp Genetics (formerly Invitae), Labcorp
Classification: Uncertain significance for Very long chain acyl-CoA dehydrogenase deficiency. Last evaluated: 2022-07-19. Review status: criteria provided, single submitter. Criteria: Invitae Variant Classification Sherloc (09022015). Collection method: clinical testing. Allele origin: germline.
Comment: This sequence change falls in intron 8 of the ACADVL gene. It does not directly change the encoded amino acid sequence of the ACADVL protein. It affects a nucleotide within the consensus splice site. This variant is not present in population databases (gnomAD no frequency). This variant has not been reported in the literature in individuals affected with ACADVL-related conditions. Variants that disrupt the consensus splice site are a relatively common cause of aberrant splicing (PMID: 17576681, 9536098). Algorithms developed to predict the effect of sequence changes on RNA splicing suggest that this variant may create or strengthen a splice site. In summary, the available evidence is currently insufficient to determine the role of this variant in disease. Therefore, it has been classified as a Variant of Uncertain Significance.

Literature cited by the submitters: PubMed 17576681; PubMed 9536098.

NM_000018.4(ACADVL):c.752+6C>G

Gene: ACADVL (acyl-CoA dehydrogenase very long chain; plus strand). Cytogenetic location: 17p13.1.
Variant type: single nucleotide variant.
Coding change: c.752+6C>G on transcript NM_000018.4 (MANE Select); 6 bases into the intron after coding-DNA position 752, C replaced by G.
Molecular consequence: intron variant.
Genome position (GRCh38, 1-based): chr17:7,222,087, C>G. VCF-style: chr17-7222087-C-G. GRCh37 (hg19) VCF-style: chr17-7125406-C-G.
Other names: c.821+6C>G (NM_001270447.2); c.524+6C>G (NM_001270448.2); c.686+6C>G (NM_001033859.3).
Identifiers: ClinVar variation 2144807 (VCV002144807.1), dbSNP rs2508300675, ClinGen allele CA2580094748.